The following is an entry in ClinVar:

NM_183075.3(CYP2U1):c.1517del (p.Ser506fs)

Gene: CYP2U1 (cytochrome P450 family 2 subfamily U member 1; plus strand). Cytogenetic location: 4q25.
Variant type: Deletion.
Coding change: c.1517del on transcript NM_183075.3 (MANE Select); coding-DNA position 1517, one base deleted (G; older notation c.1517delG).
Protein change: p.Ser506fs; shifts the reading frame from serine 506.
Molecular consequence: frameshift variant.
Genome position (GRCh38, 1-based): chr4:107,950,305, G deleted. VCF-style (leftmost placement, unchanged base first): chr4-107950304-AG-A. GRCh37 (hg19) VCF-style: chr4-108871460-AG-A.
Other names: short protein forms S506fs.
Identifiers: ClinVar variation 2421006 (VCV002421006.6), dbSNP rs2477049052, ClinGen allele CA2580071336.

ClinVar aggregate classification (germline): Uncertain significance (1 of 4 stars; one submission).

Conditions:
Spastic paraplegia. Identifiers: MedGen C0037772, HP:0001258.

Submission:

Labcorp Genetics (formerly Invitae), Labcorp
Classification: Uncertain significance for Spastic paraplegia. Last evaluated: 2024-12-16. Review status: criteria provided, single submitter. Criteria: Invitae Variant Classification Sherloc (09022015). Collection method: clinical testing. Allele origin: germline.
Comment: This sequence change creates a premature translational stop signal (p.Ser506Thrfs*2) in the CYP2U1 gene. While this is not anticipated to result in nonsense mediated decay, it is expected to disrupt the last 39 amino acid(s) of the CYP2U1 protein. This variant is not present in population databases (gnomAD no frequency). This variant has not been reported in the literature in individuals affected with CYP2U1-related conditions. ClinVar contains an entry for this variant (Variation ID: 2421006). This variant disrupts the C-terminus of the CYP2U1 protein. Other variant(s) that disrupt this region (p.Pro516Argfs*8) have been observed in individuals with CYP2U1-related conditions (PMID: 28120039). This suggests that this may be a clinically significant region of the protein. In summary, the available evidence is currently insufficient to determine the role of this variant in disease. Therefore, it has been classified as a Variant of Uncertain Significance.

Literature cited by the submitters: PubMed 28120039.